The following is an entry in ClinVar:

NM_004329.3(BMPR1A):c.484G>T (p.Val162Phe)

Gene: BMPR1A (bone morphogenetic protein receptor type 1A; plus strand). Cytogenetic location: 10q23.2.
Variant type: single nucleotide variant.
Coding change: c.484G>T on transcript NM_004329.3 (MANE Select); coding-DNA position 484, G replaced by T.
Protein change: p.Val162Phe; replaces valine 162 with phenylalanine.
Molecular consequence: missense variant. On other transcripts: non-coding transcript variant (3), intron variant (1).
Genome position (GRCh38, 1-based): chr10:86,900,080, G>T. VCF-style: chr10-86900080-G-T. GRCh37 (hg19) VCF-style: chr10-88659837-G-T.
Other names: c.484G>T, p.Val162Phe (NM_001406561.1, NM_001406562.1, NM_001406563.1 and 22 more transcripts); c.400G>T, p.Val134Phe (NM_001406584.1, NM_001406585.1, NM_001406586.1 and 2 more transcripts); c.333+7851G>T (NM_001406589.1); short protein forms V134F, V162F.
Identifiers: ClinVar variation 4708725 (VCV004708725.1).
Genomic context (GRCh38, chr10:86,900,080, plus strand): 5'-TTGTCAGGTCCGTTTTTTGATGGCAGCATTCGATGGCTGGTTTTGCTCATTTCTATGGCT[G>T]TCTGCATAATTGCTATGATCATCTTCTCCAGCTGCTTTTGTTACAAGTAAGAAGATATTT-3'
Protein context (NP_004320.2, residues 152-172): RWLVLLISMA[Val162Phe]CIIAMIIFSS

ClinVar aggregate classification (germline): Uncertain significance (1 of 4 stars; one submission).

Conditions:
Juvenile polyposis syndrome (JPS). Identifiers: Orphanet 2929, MedGen C0345893, MONDO:0017380, OMIM 174900.

Submission:

Labcorp Genetics (formerly Invitae), Labcorp
Classification: Uncertain significance for Juvenile polyposis syndrome. Last evaluated: 2025-03-19. Review status: criteria provided, single submitter. Criteria: Invitae Variant Classification Sherloc (09022015). Collection method: clinical testing. Allele origin: germline.
Comment: This sequence change replaces valine, which is neutral and non-polar, with phenylalanine, which is neutral and non-polar, at codon 162 of the BMPR1A protein (p.Val162Phe). This variant is not present in population databases (gnomAD no frequency). This variant has not been reported in the literature in individuals affected with BMPR1A-related conditions. Invitae Evidence Modeling of protein sequence and biophysical properties (such as structural, functional, and spatial information, amino acid conservation, physicochemical variation, residue mobility, and thermodynamic stability) indicates that this missense variant is not expected to disrupt BMPR1A protein function with a negative predictive value of 80%. In summary, the available evidence is currently insufficient to determine the role of this variant in disease. Therefore, it has been classified as a Variant of Uncertain Significance.